The following is an entry in ClinVar:

ClinVar aggregate classification (germline): Uncertain significance. Review status: criteria provided, multiple submitters, no conflicts (2 of 4 stars). 2 submissions from 2 submitters: Uncertain significance (2). Last evaluated 2024-03-02.

Conditions:
RYR1-related disorder. Also called: RYR1-related condition; RYR1-related disorders. Identifiers: MedGen CN239331.
Malignant hyperthermia of anesthesia. Also called: Anesthesic-triggered malignant hyperthermia. Identifiers: Orphanet 423, MedGen C0024591, MONDO:0018493, HP:0034733.

Submissions (2):

Labcorp Genetics (formerly Invitae), Labcorp
Classification: Uncertain significance for RYR1-related disorder. Last evaluated: 2024-03-02. Review status: criteria provided, single submitter. Criteria: Invitae Variant Classification Sherloc (09022015). Collection method: clinical testing. Allele origin: germline.
Comment: This sequence change replaces alanine, which is neutral and non-polar, with glycine, which is neutral and non-polar, at codon 1363 of the RYR1 protein (p.Ala1363Gly). The frequency data for this variant in the population databases is considered unreliable, as metrics indicate poor data quality at this position in the gnomAD database. This variant has not been reported in the literature in individuals affected with RYR1-related conditions. ClinVar contains an entry for this variant (Variation ID: 496659). Advanced modeling of protein sequence and biophysical properties (such as structural, functional, and spatial information, amino acid conservation, physicochemical variation, residue mobility, and thermodynamic stability) performed at Invitae indicates that this missense variant is not expected to disrupt RYR1 protein function with a negative predictive value of 95%. In summary, the available evidence is currently insufficient to determine the role of this variant in disease. Therefore, it has been classified as a Variant of Uncertain Significance.

CSER _CC_NCGL, University of Washington
Classification: Uncertain significance for Malignant hyperthermia. Last evaluated: 2016-10-01. Review status: criteria provided, single submitter. Criteria: Amendola et al. (Genome Res. 2015). Collection method: research. Allele origin: germline. Affected: no. Study: CSER - NEXT Medicine variant annotation.
Comment: This interpretation considers GERP score and allele frequency data, in addition to published reports of the variant in the literature, available at the time of review.

NM_000540.3(RYR1):c.4088C>G (p.Ala1363Gly)

Gene: RYR1 (ryanodine receptor 1; plus strand). Cytogenetic location: 19q13.2.
Variant type: single nucleotide variant.
Coding change: c.4088C>G on transcript NM_000540.3 (MANE Select); coding-DNA position 4088, C replaced by G.
Protein change: p.Ala1363Gly; replaces alanine 1363 with glycine.
Molecular consequence: missense variant.
Genome position (GRCh38, 1-based): chr19:38,473,699, C>G. VCF-style: chr19-38473699-C-G. GRCh37 (hg19) VCF-style: chr19-38964339-C-G.
Other names: c.4088C>G, p.Ala1363Gly (NM_001042723.2); short protein forms A1363G.
Identifiers: ClinVar variation 496659 (VCV000496659.9), dbSNP rs774603798, ClinGen allele CA16622095.